The following is an entry in ClinVar:

ClinVar aggregate classification (germline): Uncertain significance (1 of 4 stars; one submission).

Submission:

Women's Health and Genetics/Laboratory Corporation of America, LabCorp
Classification: Uncertain significance. Last evaluated: 2026-02-09. Review status: criteria provided, single submitter. Criteria: LabCorp Variant Classification Summary - May 2015. Collection method: clinical testing. Allele origin: germline.
Comment: Variant summary: SLC45A2 c.149C>T (p.Ala50Val) results in a non-conservative amino acid change in the encoded protein sequence. Algorithms developed to predict the effect of missense changes on protein structure and function all suggest that this variant is likely to be disruptive. The variant was absent in 249846 control chromosomes. The available data on variant occurrences in the general population are insufficient to allow any conclusion about variant significance. c.149C>T has been observed in at least one individual affected with Oculocutaneous albinism (example: Okamura_2016). This report does not provide unequivocal conclusions about association of the variant with Oculocutaneous albinism type 4. To our knowledge, no experimental evidence demonstrating an impact on protein function has been reported. The following publication has been ascertained in the context of this evaluation (PMID: 26573111). No submitters have cited clinical-significance assessments for this variant to ClinVar. Based on the evidence outlined above, the variant was classified as uncertain significance.

Literature cited by the submitters: PubMed 26573111.

NM_016180.5(SLC45A2):c.149C>T (p.Ala50Val)

Gene: SLC45A2 (solute carrier family 45 member 2; minus strand). Cytogenetic location: 5p13.2.
Variant type: single nucleotide variant.
Coding change: c.149C>T on transcript NM_016180.5 (MANE Select); coding-DNA position 149, C replaced by T.
Protein change: p.Ala50Val; replaces alanine 50 with valine.
Molecular consequence: missense variant.
Genome position (GRCh38, 1-based): chr5:33,984,435, G>A on the plus strand (C>T on the coding strand, the complement: SLC45A2 is on the minus strand). VCF-style: chr5-33984435-G-A. GRCh37 (hg19) VCF-style: chr5-33984540-G-A.
Other names: c.149C>T, p.Ala50Val (NM_001012509.4, NM_001297417.4); short protein forms A50V.
Identifiers: ClinVar variation 4847956 (VCV004847956.1).
Genomic context (GRCh38, chr5:33,984,435, plus strand): 5'-TACAGGCTGCTGGGCAGACCTACGCTGAGCAGGACTGGGGTCACATACGCTGCCTCCACC[G>A]CGTAGCAGAACTCTCTTCCGAACATGGCCATGCTGTGCATGATGAGTCTGCTGGTGGGTC-3'
Protein context (NP_057264.4, residues 40-60): MAMFGREFCY[Ala50Val]VEAAYVTPVL